The following is an entry in ClinVar:

NM_001136193.2(FASTKD2):c.*3080C>A

Gene: FASTKD2 (FAST kinase domains 2; plus strand). Cytogenetic location: 2q33.3.
Variant type: single nucleotide variant.
Coding change: c.*3080C>A on transcript NM_001136193.2 (MANE Select); 3080 bases downstream of the stop codon, C replaced by A.
Molecular consequence: 3 prime UTR variant.
Genome position (GRCh38, 1-based): chr2:206,794,882, C>A. VCF-style: chr2-206794882-C-A. GRCh37 (hg19) VCF-style: chr2-207659606-C-A.
Other names: c.*3080C>A (NM_001136194.2, NM_014929.4).
Identifiers: ClinVar variation 333850 (VCV000333850.5), dbSNP rs77797215, ClinGen allele CA10612201.
Genomic context (GRCh38, chr2:206,794,882, plus strand): 5'-TGTGTTGTGAGGGTAGTCACCCTGCAACTGGCTTGGACATCTCTAAGCAAATAGAAGTTT[C>A]TGTAAGATAGAGATTTGGGGCATCTACTTGGAACTACCTATGAGGAGCTGGCATTCCTCA-3'

ClinVar aggregate classification (germline): Likely benign (1 of 4 stars; one submission).

Conditions:
Mitochondrial complex IV deficiency, nuclear type 1 (MC4DN1). Also called: COX DEFICIENCY; Mitochondrial complex IV deficiency; Complex 4 mitochondrial respiratory chain deficiency; Deficiency of mitochondrial respiratory chain complex4; Complex IV deficiency. Identifiers: MedGen C5435656, MONDO:0700250, OMIM 220110. Disease mechanism: loss of function.

Allele frequency attached by ClinVar (database versions not stated): gnomAD 0.03493 and 0.03508; TOPMed 0.03684; 1000 Genomes Project 30x 0.04216; 1000 Genomes Project 0.04313.
gnomAD v4.1: 5,337 of 152,286 alleles (3.5%); highest among the groups gnomAD compares: East Asian, 5.6%; 126 homozygotes.

Submission:

Illumina Laboratory Services, Illumina
Classification: Likely benign for Mitochondrial complex IV deficiency, nuclear type 1. Last evaluated: 2018-01-13. Review status: criteria provided, single submitter. Criteria: ICSL Variant Classification Criteria 13 December 2019. Collection method: clinical testing. Allele origin: germline.
Comment: This variant was observed in the ICSL laboratory as part of a predisposition screen in an ostensibly healthy population. It had not been previously curated by ICSL or reported in the Human Gene Mutation Database (HGMD: prior to June 1st, 2018), and was therefore a candidate for classification through an automated scoring system. Utilizing variant allele frequency, disease prevalence and penetrance estimates, and inheritance mode, an automated score was calculated to assess if this variant is too frequent to cause the disease. Based on the score and internal cut-off values, a variant classified as likely benign is not then subjected to further curation. The score for this variant resulted in a classification of likely benign for this disease.